The following is an entry in ClinVar:

ClinVar aggregate classification (germline): Uncertain significance. Review status: criteria provided, multiple submitters, no conflicts (2 of 4 stars). 2 submissions from 2 submitters: Uncertain significance (2). Last evaluated 2025-02-07.

Conditions:
PLXNA3-related disorder. Also called: PLXNA3-related condition.

gnomAD v4.1: 6 of 1,207,335 alleles (0.0005%); highest among the groups gnomAD compares: Admixed American, 0.013%; no homozygotes.

Submissions (2):

PreventionGenetics, part of Exact Sciences
Classification: Uncertain significance for PLXNA3-related condition. Last evaluated: 2025-02-07. Review status: criteria provided, single submitter. Criteria: ACMG Guidelines, 2015. Collection method: clinical testing. Allele origin: germline.
Comment: The PLXNA3 c.3994C>T variant is predicted to result in the amino acid substitution p.Leu1332Phe. To our knowledge, this variant has not been reported in the literature. This variant is reported in 0.011% of alleles in individuals of Latino descent in gnomAD. At this time, the clinical significance of this variant is uncertain due to the absence of conclusive functional and genetic evidence.

Ambry Genetics
Classification: Uncertain significance. Last evaluated: 2024-06-25. Review status: criteria provided, single submitter. Criteria: Ambry Variant Classification Scheme 2023. Collection method: clinical testing. Allele origin: germline.

NM_017514.5(PLXNA3):c.3994C>T (p.Leu1332Phe)

Gene: PLXNA3 (plexin A3; plus strand). Cytogenetic location: Xq28.
Variant type: single nucleotide variant.
Coding change: c.3994C>T on transcript NM_017514.5 (MANE Select); coding-DNA position 3994, C replaced by T.
Protein change: p.Leu1332Phe; replaces leucine 1332 with phenylalanine.
Molecular consequence: missense variant.
Genome position (GRCh38, 1-based): chrX:154,468,333, C>T. VCF-style: chrX-154468333-C-T. GRCh37 (hg19) VCF-style: chrX-153696676-C-T.
Other names: short protein forms L1332F.
Identifiers: ClinVar variation 3421155 (VCV003421155.2).
Genomic context (GRCh38, chrX:154,468,333, plus strand): 5'-CCACCCTCTGAGACCTCCTGCTCCCCACAGACGCCACCCAACGTGGAGAAGGCCCTGCGC[C>T]TCTTCGGGCAGCTGCTGCACAGCCGCGCGTTCGTGCTTACCTTCATCCACACGCTGGAGG-3'
Protein context (NP_059984.3, residues 1322-1342): TPPNVEKALR[Leu1332Phe]FGQLLHSRAF